The following is an entry in ClinVar:

NM_002693.3(POLG):c.2481-4C>G

Gene: POLG (DNA polymerase gamma, catalytic subunit; minus strand). Cytogenetic location: 15q26.1.
Variant type: single nucleotide variant.
Coding change: c.2481-4C>G on transcript NM_002693.3 (MANE Select); 4 bases into the intron before coding-DNA position 2481, C replaced by G.
Molecular consequence: intron variant.
Genome position (GRCh38, 1-based): chr15:89,321,857, G>C on the plus strand (C>G on the coding strand, the complement: POLG is on the minus strand). VCF-style: chr15-89321857-G-C. GRCh37 (hg19) VCF-style: chr15-89865088-G-C.
Other names: c.2481-4C>G (NM_002693.2, NM_001126131.2).
Identifiers: ClinVar variation 1448080 (VCV001448080.14), dbSNP rs764833370, ClinGen allele CA2542686329.

ClinVar aggregate classification (germline): Uncertain significance. Review status: criteria provided, multiple submitters, no conflicts (2 of 4 stars). 3 submissions from 3 submitters: Uncertain significance (3). Last evaluated 2024-12-16.

Conditions:
Inborn genetic diseases. Identifiers: MedGen C0950123, MeSH D030342.
Progressive sclerosing poliodystrophy (MTDPS4A). Also called: ALPERS PROGRESSIVE INFANTILE POLIODYSTROPHY; NEURONAL DEGENERATION OF CHILDHOOD WITH LIVER DISEASE, PROGRESSIVE; Alpers Syndrome; ALPERS DIFFUSE DEGENERATION OF CEREBRAL GRAY MATTER WITH HEPATIC CIRRHOSIS; Alpers-Huttenlocher Syndrome; Mitochondrial DNA depletion syndrome 4A (Alpers type). Identifiers: Orphanet 726, MedGen C0205710, MONDO:0008758, OMIM 203700.

gnomAD v4.1: 4 of 1,612,656 alleles (0.00025%); highest among the groups gnomAD compares: Non-Finnish European, 0.00034%; no homozygotes.

Submissions (3):

Labcorp Genetics (formerly Invitae), Labcorp
Classification: Uncertain significance for Progressive sclerosing poliodystrophy. Last evaluated: 2024-12-16. Review status: criteria provided, single submitter. Criteria: Invitae Variant Classification Sherloc (09022015). Collection method: clinical testing. Allele origin: germline.
Comment: This sequence change falls in intron 15 of the POLG gene. It does not directly change the encoded amino acid sequence of the POLG protein. This variant is not present in population databases (gnomAD no frequency). This variant has not been reported in the literature in individuals affected with POLG-related conditions. ClinVar contains an entry for this variant (Variation ID: 1448080). Algorithms developed to predict the effect of sequence changes on RNA splicing suggest that this variant may create or strengthen a splice site. In summary, the available evidence is currently insufficient to determine the role of this variant in disease. Therefore, it has been classified as a Variant of Uncertain Significance.

GeneDx
Classification: Uncertain significance. Last evaluated: 2022-11-30. Review status: criteria provided, single submitter. Criteria: GeneDx Variant Classification Process June 2021. Collection method: clinical testing. Allele origin: germline. Affected: yes.
Comment: Not observed at significant frequency in large population cohorts (gnomAD); In silico analysis supports a deleterious effect on splicing; Has not been previously published as pathogenic or benign to our knowledge

Ambry Genetics
Classification: Uncertain significance for Inborn genetic diseases. Last evaluated: 2022-10-25. Review status: criteria provided, single submitter. Criteria: Ambry Variant Classification Scheme 2023. Collection method: clinical testing. Allele origin: germline.
Comment: The c.2481-4C>G intronic alteration consists of a C to G substitution 4 nucleotides before exon 16 (coding exon 15) of the POLG gene. Based on insufficient or conflicting evidence, the clinical significance of this alteration remains unclear.